The following is an entry in ClinVar:

ClinVar aggregate classification (germline): Uncertain significance (1 of 4 stars; one submission).

Allele frequency attached by ClinVar (database versions not stated): gnomAD exomes below 0.00001 and 0.00001; TOPMed below 0.00001.
gnomAD v4.1: 7 of 1,613,236 alleles (0.00043%); highest among the groups gnomAD compares: Non-Finnish European, 0.00051%; no homozygotes.

Submission:

GeneDx
Classification: Uncertain significance. Last evaluated: 2022-01-21. Review status: criteria provided, single submitter. Criteria: GeneDx Variant Classification Process June 2021. Collection method: clinical testing. Allele origin: germline. Affected: yes.
Comment: Reported in a patient with BannayanRileyRuvalcaba syndrome who also harbored an additional missense variant in the TTN gene (Yehia et al., 2017); Not observed at significant frequency in large population cohorts (gnomAD); Missense variant in a gene in which most reported pathogenic variants are truncating/loss-of-function; This variant is associated with the following publications: (PMID: 29263846)

NM_001267550.2(TTN):c.57935G>A (p.Gly19312Asp)

Genes: TTN (titin; minus strand), TTN-AS1 (TTN antisense RNA 1; plus strand). Cytogenetic location: 2q31.2.
Variant type: single nucleotide variant.
Coding change: c.57935G>A on transcript NM_001267550.2 (MANE Select); coding-DNA position 57935, G replaced by A.
Protein change: p.Gly19312Asp; replaces glycine 19312 with aspartic acid.
Molecular consequence: missense variant.
Genome position (GRCh38, 1-based): chr2:178,594,559, C>T on the plus strand (G>A on the coding strand, the complement: TTN is on the minus strand). VCF-style: chr2-178594559-C-T. GRCh37 (hg19) VCF-style: chr2-179459286-C-T.
Other names: c.53012G>A, p.Gly17671Asp (NM_001256850.1); c.30740G>A, p.Gly10247Asp (NM_003319.4); c.50231G>A, p.Gly16744Asp (NM_133378.4); c.31115G>A, p.Gly10372Asp (NM_133432.3); c.31316G>A, p.Gly10439Asp (NM_133437.4); short protein forms G10247D, G10372D, G10439D, G16744D, G17671D, G19312D.
Identifiers: ClinVar variation 1697981 (VCV001697981.2), dbSNP rs1559625655, ClinGen allele CA349511148.